The following is an entry in ClinVar:

NM_000138.5(FBN1):c.7735_7746dup (p.His2579_Gln2582dup)

Gene: FBN1 (fibrillin 1; minus strand). Cytogenetic location: 15q21.1.
Variant type: Duplication.
Coding change: c.7735_7746dup on transcript NM_000138.5 (MANE Select); coding-DNA positions 7735 to 7746, 12 bases duplicated (CATGGCTGCCAG).
Protein change: p.His2579_Gln2582dup.
Molecular consequence: inframe insertion.
Genome position (GRCh38, 1-based): chr15:48,420,760-48,420,771, CTGGCAGCCATG duplicated on the plus strand (CATGGCTGCCAG on the coding strand, the reverse complement: FBN1 is on the minus strand); duplicating any 12 consecutive bases within chr15:48,420,760-48,420,779 gives the same sequence; the c. name uses the placement nearest the transcript's 3' end. VCF-style (leftmost placement, unchanged base first): chr15-48420759-T-TCTGGCAGCCATG. GRCh37 (hg19) VCF-style: chr15-48712956-T-TCTGGCAGCCATG.
Identifiers: ClinVar variation 1060637 (VCV001060637.9), dbSNP rs2141220752, ClinGen allele CA2499222959.

ClinVar aggregate classification (germline): Uncertain significance (1 of 4 stars; one submission).

Conditions:
Marfan syndrome (MFS). Also called: FBN1-Related Marfan Syndrome; MARFAN SYNDROME, TYPE I; Marfan syndrome type 1; Marfan's syndrome; Marfan syndrome, classic. Identifiers: Orphanet 284963, Orphanet 558, MedGen C0024796, MONDO:0007947, OMIM 154700.
Familial thoracic aortic aneurysm and aortic dissection (TAAD). Also called: Thoracic aortic aneurysms and dissections. Identifiers: Orphanet 91387, MedGen C4707243, MONDO:0019625.

Submission:

Labcorp Genetics (formerly Invitae), Labcorp
Classification: Uncertain significance for Marfan syndrome; Familial thoracic aortic aneurysm and aortic dissection. Last evaluated: 2020-12-21. Review status: criteria provided, single submitter. Criteria: Invitae Variant Classification Sherloc (09022015). Collection method: clinical testing. Allele origin: germline.
Comment: This variant has not been reported in the literature in individuals with FBN1-related conditions. This variant is not present in population databases (ExAC no frequency). Experimental studies and prediction algorithms are not available or were not evaluated, and the functional significance of this variant is currently unknown. In summary, the available evidence is currently insufficient to determine the role of this variant in disease. Therefore, it has been classified as a Variant of Uncertain Significance. This variant, c.7735_7746dup, results in the insertion of 4 amino acid(s) to the FBN1 protein (p.His2579_Gln2582dup), but otherwise preserves the integrity of the reading frame.